The following is an entry in ClinVar:

ClinVar aggregate classification (germline): Uncertain significance (1 of 4 stars; one submission).

Conditions:
Progressive myoclonic epilepsy. Also called: Familial progressive myoclonic epilepsy; Myoclonus epilepsy; Progressive myoclonus epilepsy; Myoclonic Epilepsies, Progressive. Identifiers: Orphanet 308, Orphanet 98261, MedGen C0751778, MONDO:0020074.

Allele frequency attached by ClinVar (database versions not stated): TOPMed 0.00001.
gnomAD v4.1: 2 of 1,613,146 alleles (0.00012%); highest among the groups gnomAD compares: Admixed American, 0.0017%; no homozygotes.

Submission:

Labcorp Genetics (formerly Invitae), Labcorp
Classification: Uncertain significance for Progressive myoclonic epilepsy. Last evaluated: 2022-10-24. Review status: criteria provided, single submitter. Criteria: Invitae Variant Classification Sherloc (09022015). Collection method: clinical testing. Allele origin: germline.
Comment: This sequence change affects codon 69 of the GOSR2 mRNA. It is a 'silent' change, meaning that it does not change the encoded amino acid sequence of the GOSR2 protein. This variant is not present in population databases (gnomAD no frequency). This variant has not been reported in the literature in individuals affected with GOSR2-related conditions. ClinVar contains an entry for this variant (Variation ID: 657704). Algorithms developed to predict the effect of sequence changes on RNA splicing suggest that this variant may create or strengthen a splice site. In summary, the available evidence is currently insufficient to determine the role of this variant in disease. Therefore, it has been classified as a Variant of Uncertain Significance.

NM_004287.5(GOSR2):c.205C>A (p.Arg69=)

Genes: GOSR2 (golgi SNAP receptor complex member 2; plus strand), LRRC37A2 (leucine rich repeat containing 37 member A2), LOC126862578 (BRD4-independent group 4 enhancer GRCh37_chr17:45008344-45009543; plus strand). Cytogenetic location: 17q21.32.
Variant type: single nucleotide variant.
Coding change: c.205C>A on transcript NM_004287.5 (MANE Select); coding-DNA position 205, C replaced by A.
Protein change: p.Arg69=; no amino-acid change (arginine 69 retained).
Molecular consequence: synonymous variant. On other transcripts: non-coding transcript variant (3).
Genome position (GRCh38, 1-based): chr17:46,932,068, C>A. VCF-style: chr17-46932068-C-A. GRCh37 (hg19) VCF-style: chr17-45009434-C-A.
Other names: c.205C>A, p.Arg69= (NM_001012511.3, NM_001321133.2, NM_001330252.2 and 1 more transcripts); c.151C>A, p.Arg51= (NM_001321134.2, NM_001363851.2); c.202C>A, p.Arg68= (NM_001353114.2, NM_001353115.2, NM_001353116.2).
Identifiers: ClinVar variation 657704 (VCV000657704.8), dbSNP rs770149230, ClinGen allele CA500411460.
Genomic context (GRCh38, chr17:46,932,068, plus strand): 5'-CCCTCAGATTCTGCTGCCCTGAGTTCCTGGAATTTAATCTCTCTCTCCATCAATTCCAGT[C>A]GGGTTGACCAGTTAAAGTATGATGTCCAGCACCTGCAGACTGCGCTCAGAAACTTCCAGC-3'
Protein context (NP_004278.2, residues 59-79): PPNKRQNARL[Arg69=]VDQLKYDVQH